The following is an entry in ClinVar:

NM_006891.4(CRYGD):c.130A>G (p.Met44Val)

Genes: CRYGD (crystallin gamma D; minus strand), LOC100507443 (uncharacterized LOC100507443; plus strand). Cytogenetic location: 2q33.3.
Variant type: single nucleotide variant.
Coding change: c.130A>G on transcript NM_006891.4 (MANE Select); coding-DNA position 130, A replaced by G.
Protein change: p.Met44Val; replaces methionine 44 with valine.
Molecular consequence: missense variant.
Genome position (GRCh38, 1-based): chr2:208,124,234, T>C on the plus strand (A>G on the coding strand, the complement: CRYGD is on the minus strand). VCF-style: chr2-208124234-T-C. GRCh37 (hg19) VCF-style: chr2-208988958-T-C.
Other names: short protein forms M44V.
Identifiers: ClinVar variation 333875 (VCV000333875.18), dbSNP rs61731517, ClinGen allele CA2077727.

ClinVar aggregate classification (germline): Benign. Review status: criteria provided, multiple submitters, no conflicts (2 of 4 stars). 4 submissions from 4 submitters: Benign (4). Last evaluated 2026-01-19.

Conditions:
Aculeiform cataract (CTRCT4). Also called: Fasciculiform cataract; Frosted cataract; Needle-shaped cataract. Identifiers: MedGen C1861832, HP:0010926.
Cataract 4 multiple types. Also called: CATARACT 4, ACULEIFORM; CATARACT 4, MULTIPLE TYPES, WITH OR WITHOUT MICROCORNEA; CATARACT 4 WITH MICROCORNEA; CATARACT 4, PUNCTATE; CATARACT 4, CRYSTALLINE; CATARACT 4, CENTRAL NUCLEAR. Identifiers: Orphanet 1377, MedGen C3540850, MONDO:0007281, OMIM 115700.

Allele frequency attached by ClinVar (database versions not stated): 1000 Genomes Project 30x 0.00484; 1000 Genomes Project 0.00599; TOPMed 0.00749; ExAC 0.00817; gnomAD 0.00817 and 0.00834.
gnomAD v4.1: 12,862 of 1,610,854 alleles (0.8%); highest among the groups gnomAD compares: Middle Eastern, 0.9%; 70 homozygotes.

Submissions (4):

Labcorp Genetics (formerly Invitae), Labcorp
Classification: Benign for Aculeiform cataract. Last evaluated: 2026-01-19. Review status: criteria provided, single submitter. Criteria: Invitae Variant Classification Sherloc (09022015). Collection method: clinical testing. Allele origin: germline.

GeneDx
Classification: Benign. Last evaluated: 2020-06-16. Review status: criteria provided, single submitter. Criteria: GeneDx Variant Classification Process June 2021. Collection method: clinical testing. Allele origin: germline. Affected: yes.
Comment: This variant is associated with the following publications: (PMID: 21031021)

Illumina Laboratory Services, Illumina
Classification: Benign for Cataract 4 multiple types. Last evaluated: 2018-01-13. Review status: criteria provided, single submitter. Criteria: ICSL Variant Classification Criteria 13 December 2019. Collection method: clinical testing. Allele origin: germline.
Comment: This variant was observed in the ICSL laboratory as part of a predisposition screen in an ostensibly healthy population. It had not been previously curated by ICSL or reported in the Human Gene Mutation Database (HGMD: prior to June 1st, 2018), and was therefore a candidate for classification through an automated scoring system. Utilizing variant allele frequency, disease prevalence and penetrance estimates, and inheritance mode, an automated score was calculated to assess if this variant is too frequent to cause the disease. Based on the score and internal cut-off values, a variant classified as benign is not then subjected to further curation. The score for this variant resulted in a classification of benign for this disease.

Breakthrough Genomics
Classification: Benign. Review status: criteria provided, single submitter. Criteria: ACMG Guidelines, 2015. Collection method: not provided. Allele origin: germline. Inheritance: Autosomal dominant inheritance. Affected: yes.